The following is an entry in ClinVar:

NM_004360.5(CDH1):c.1682dup (p.Tyr561Ter)

Gene: CDH1 (cadherin 1; plus strand). Cytogenetic location: 16q22.1.
Variant type: Duplication.
Coding change: c.1682dup on transcript NM_004360.5 (MANE Select); coding-DNA position 1682, one base duplicated (A; older notation c.1682dupA).
Protein change: p.Tyr561Ter; replaces tyrosine 561 with a stop codon.
Molecular consequence: nonsense. On other transcripts: frameshift variant (1), intron variant (1).
Genome position (GRCh38, 1-based): chr16:68,819,396, A duplicated. VCF-style (leftmost placement, unchanged base first): chr16-68819395-T-TA. GRCh37 (hg19) VCF-style: chr16-68853298-T-TA.
Other names: c.1682dupA (NM_004360.3); c.1499dup, p.Tyr500Ter (NM_001317184.2); c.134dup, p.Tyr45Ter (NM_001317185.2); c.-254-2605dup (NM_001317186.2); short protein forms Y45*, Y561*, Y500*.
Identifiers: ClinVar variation 1777938 (VCV001777938.8), dbSNP rs2543937834, ClinGen allele CA2580092015.

ClinVar aggregate classification (germline): Pathogenic. Review status: criteria provided, multiple submitters, no conflicts (2 of 4 stars). 3 submissions from 3 submitters: Pathogenic (3). Last evaluated 2024-10-28.

Conditions:
Hereditary diffuse gastric adenocarcinoma (HDGC). Also called: DIFFUSE GASTRIC AND LOBULAR BREAST CANCER SYNDROME. Identifiers: Orphanet 26106, MedGen C1708349, MONDO:0007648, OMIM 137215.
Hereditary cancer-predisposing syndrome. Also called: Tumor predisposition; Neoplastic Syndromes, Hereditary; Hereditary Cancer Syndrome; Hereditary neoplastic syndrome. Identifiers: Orphanet 140162, MedGen C0027672, MeSH D009386, MONDO:0015356.

Submissions (3):

Ambry Genetics
Classification: Pathogenic for Hereditary cancer-predisposing syndrome. Last evaluated: 2024-10-28. Review status: criteria provided, single submitter. Criteria: Ambry Variant Classification Scheme 2023. Collection method: clinical testing. Allele origin: germline.
Comment: The c.1682dupA pathogenic mutation, located in coding exon 11 of the CDH1 gene, results from a duplication of A at nucleotide position 1682, causing a translational frameshift with a predicted alternate stop codon (p.Y561*). This mutation was reported in one of thirty-eight families clinically diagnosed with hereditary diffuse gastric cancer (HDGC) (Kaurah P et al. JAMA. 2007 Jun 6;297(21):2360-72). This variant is considered to be rare based on population cohorts in the Genome Aggregation Database (gnomAD). In addition to the clinical data presented in the literature, this alteration is expected to result in loss of function by premature protein truncation or nonsense-mediated mRNA decay. As such, this alteration is interpreted as a disease-causing mutation.

Labcorp Genetics (formerly Invitae), Labcorp
Classification: Pathogenic for Hereditary diffuse gastric adenocarcinoma. Last evaluated: 2023-11-10. Review status: criteria provided, single submitter. Criteria: Invitae Variant Classification Sherloc (09022015). Collection method: clinical testing. Allele origin: germline.
Comment: This sequence change creates a premature translational stop signal (p.Tyr561*) in the CDH1 gene. It is expected to result in an absent or disrupted protein product. Loss-of-function variants in CDH1 are known to be pathogenic (PMID: 15235021, 20373070). This variant is not present in population databases (gnomAD no frequency). This premature translational stop signal has been observed in individual(s) with hereditary diffuse gastric cancer (PMID: 17545690). This variant is also known as 1682-1683insA. ClinVar contains an entry for this variant (Variation ID: 1777938). For these reasons, this variant has been classified as Pathogenic.

Myriad Genetics, Inc.
Classification: Pathogenic for Hereditary diffuse gastric adenocarcinoma. Last evaluated: 2023-05-23. Review status: criteria provided, single submitter. Criteria: Myriad Autosomal Dominant, Autosomal Recessive and X-Linked Classification Criteria (2023). Collection method: clinical testing. Allele origin: unknown.
Comment: This variant is considered pathogenic. This variant creates a termination codon and is predicted to result in premature protein truncation.

Literature cited by the submitters: PubMed 15235021 (cited by Labcorp Genetics (formerly Invitae), Labcorp); PubMed 20373070 (cited by Labcorp Genetics (formerly Invitae), Labcorp); PubMed 17545690 (cited by Labcorp Genetics (formerly Invitae), Labcorp).